The following is an entry in ClinVar:

NM_020831.6(MRTFA):c.2891C>T (p.Ser964Leu)

Gene: MRTFA (myocardin related transcription factor A; minus strand). Cytogenetic location: 22q13.1.
Variant type: single nucleotide variant.
Coding change: c.2891C>T on transcript NM_020831.6 (MANE Select); coding-DNA position 2891, C replaced by T.
Protein change: p.Ser964Leu; replaces serine 964 with leucine.
Molecular consequence: missense variant. On other transcripts: 3 prime UTR variant (1).
Genome position (GRCh38, 1-based): chr22:40,411,595, G>A on the plus strand (C>T on the coding strand, the complement: MRTFA is on the minus strand). VCF-style: chr22-40411595-G-A. GRCh37 (hg19) VCF-style: chr22-40807599-G-A.
Other names: c.2591C>T, p.Ser864Leu (NM_001282660.2); c.2741C>T, p.Ser914Leu (NM_001282661.3); c.*204C>T (NM_001282662.3); c.2696C>T, p.Ser899Leu (NM_001318139.2); short protein forms S864L, S899L, S914L, S964L.
Identifiers: ClinVar variation 1901616 (VCV001901616.5), dbSNP rs139977966, ClinGen allele CA10249198.
Genomic context (GRCh38, chr22:40,411,595, plus strand): 5'-TGGCCATCAGCCAGGTCCAGGCCCATGGTGCTGCTGGGCTCAGGAACAAAGTGCAATTCC[G>A]AGGTGTCCATGGGTGACGGGGGGTGGTCCAGGATGGCAGTGCTGCTCAGCATCTGGCTAT-3'
Protein context (NP_065882.2, residues 954-974): LDHPPSPMDT[Ser964Leu]ELHFVPEPSS

ClinVar aggregate classification (germline): Uncertain significance (1 of 4 stars; one submission).

Allele frequency attached by ClinVar (database versions not stated): ExAC 0.00001; gnomAD 0.00001; gnomAD exomes 0.00003; TOPMed 0.00003; ESP Exome Variant Server 0.00008.
gnomAD v4.1: 40 of 1,613,782 alleles (0.0025%); highest among the groups gnomAD compares: Middle Eastern, 0.016%; no homozygotes.

Submission:

Labcorp Genetics (formerly Invitae), Labcorp
Classification: Uncertain significance. Last evaluated: 2026-02-01. Review status: criteria provided, single submitter. Criteria: Invitae Variant Classification Sherloc (09022015). Collection method: clinical testing. Allele origin: germline.
Comment: This sequence change replaces serine, which is neutral and polar, with leucine, which is neutral and non-polar, at codon 864 of the MKL1 protein (p.Ser864Leu). The frequency data for this variant in the population databases is considered unreliable, as metrics indicate poor data quality at this position in the gnomAD database. This variant has not been reported in the literature in individuals affected with MKL1-related conditions. ClinVar contains an entry for this variant (Variation ID: 1901616). An algorithm developed to predict the effect of missense changes on protein structure and function (PolyPhen-2) suggests that this variant is likely to be disruptive. In summary, the available evidence is currently insufficient to determine the role of this variant in disease. Therefore, it has been classified as a Variant of Uncertain Significance.